The following is an entry in ClinVar:

ClinVar aggregate classification (germline): Uncertain significance. Review status: reviewed by expert panel (3 of 4 stars). 2 submissions from 2 submitters: Uncertain significance (1). 1 of the submissions does not count toward it. Last evaluated 2025-08-01.

Conditions:
Malignant hyperthermia of anesthesia. Also called: Anesthesic-triggered malignant hyperthermia. Identifiers: Orphanet 423, MedGen C0024591, MONDO:0018493, HP:0034733.

Submissions (2):

ClinGen Malignant Hyperthermia Susceptibility Variant Curation Expert Panel, ClinGen
Classification: Uncertain significance for Malignant hyperthermia of anesthesia. Last evaluated: 2025-08-01. Review status: reviewed by expert panel. Criteria: ClinGen MHS ACMG Specifications V2. Collection method: curation. Allele origin: germline. Inheritance: Autosomal dominant inheritance.
Comment: This pathogenicity assessment is relevant only for malignant hyperthermia susceptibility (MHS) inherited in an autosomal dominant pattern. Variants in RYR1 can also cause other myopathies inherited in an autosomal dominant pattern or in an autosomal recessive pattern. Some of these disorders may predispose individuals to malignant hyperthermia. RYR1 variants may also contribute to a malignant hyperthermia reaction in combination with other genetic and non-genetic factors and the clinician needs to consider such factors in making management decisions. This sequence variant predicts a substitution of tyrosine with aspartic acid at codon 4733 of the RYR1 protein, p.(Tyr4733Asp). This variant was not present in a large population database (gnomAD) at the time this variant was interpreted. This variant has been reported in an individual with a personal or family history of an MH episode and a positive in vitro contracture test (IVCT) or caffeine halothane contracture test (CHCT) result (if the proband was unavailable for testing, a positive diagnostic test result in a mutation-positive relative was counted), PS4_Supporting (PMID: 15731587). A functional study using [3H]ryanodine in HEK293 cells showed altered activity of this variant compared to wild-type using but this study did not meet the VCEP criteria for a well-established functional study (PMID:27558158). This variant resides in a region of RYR1 considered to be a hotspot for pathogenic variants that contribute to MHS, PM1_Sup (PMID: 21118704). A REVEL score of 0.842 supports neither a pathogenic nor a benign status for this variant. This variant has been classified as a Variant of Unknown Significance. Criteria implemented: PS4_Supporting, PM1_Supporting.

RYR1 database
No classification provided. Review status: no classification provided. Collection method: not provided. Allele origin: unknown. Not counted in ClinVar's aggregate classification.

NM_000540.3(RYR1):c.14197T>G (p.Tyr4733Asp)

Gene: RYR1 (ryanodine receptor 1; plus strand). Cytogenetic location: 19q13.2.
Variant type: single nucleotide variant.
Coding change: c.14197T>G on transcript NM_000540.3 (MANE Select); coding-DNA position 14197, T replaced by G.
Protein change: p.Tyr4733Asp; replaces tyrosine 4733 with aspartic acid.
Molecular consequence: missense variant.
Genome position (GRCh38, 1-based): chr19:38,577,942, T>G. VCF-style: chr19-38577942-T-G. GRCh37 (hg19) VCF-style: chr19-39068582-T-G.
Other names: NM_000540.2(RYR1):c.14197T>G; p.Tyr4733Asp; c.14182T>G, p.Tyr4728Asp (NM_001042723.2); short protein forms Y4733D, Y4728D.
Identifiers: ClinVar variation 133058 (VCV000133058.3), dbSNP rs193922865, ClinGen allele CA024110.